The following is an entry in ClinVar:

ClinVar aggregate classification (germline): Uncertain significance (1 of 4 stars; one submission).

Conditions:
Familial focal epilepsy with variable foci (FPEVF). Identifiers: Orphanet 98820, MedGen C1858477, MONDO:0020310.

Submission:

Labcorp Genetics (formerly Invitae), Labcorp
Classification: Uncertain significance for Familial focal epilepsy with variable foci. Last evaluated: 2025-07-13. Review status: criteria provided, single submitter. Criteria: Invitae Variant Classification Sherloc (09022015). Collection method: clinical testing. Allele origin: germline.
Comment: This sequence change replaces lysine, which is basic and polar, with glutamic acid, which is acidic and polar, at codon 56 of the DEPDC5 protein (p.Lys56Glu). This variant is not present in population databases (gnomAD no frequency). This variant has not been reported in the literature in individuals affected with DEPDC5-related conditions. ClinVar contains an entry for this variant (Variation ID: 3702931). Experimental studies and prediction algorithms are not available or were not evaluated, and the functional significance of this variant is currently unknown. In summary, the available evidence is currently insufficient to determine the role of this variant in disease. Therefore, it has been classified as a Variant of Uncertain Significance.

NM_001242896.3(DEPDC5):c.166A>G (p.Lys56Glu)

Gene: DEPDC5 (DEP domain containing 5, GATOR1 subcomplex subunit; plus strand). Cytogenetic location: 22q12.2.
Variant type: single nucleotide variant.
Coding change: c.166A>G on transcript NM_001242896.3 (MANE Select); coding-DNA position 166, A replaced by G.
Protein change: p.Lys56Glu; replaces lysine 56 with glutamic acid.
Molecular consequence: missense variant. On other transcripts: non-coding transcript variant (5).
Genome position (GRCh38, 1-based): chr22:31,760,675, A>G. VCF-style: chr22-31760675-A-G. GRCh37 (hg19) VCF-style: chr22-32156661-A-G.
Other names: c.166A>G, p.Lys56Glu (NM_001364318.2, NM_001364319.2, NM_001364320.2 and 9 more transcripts); short protein forms K56E.
Identifiers: ClinVar variation 3702931 (VCV003702931.2).